The following is an entry in ClinVar:

NM_004360.5(CDH1):c.1786G>C (p.Glu596Gln)

Gene: CDH1 (cadherin 1; plus strand). Cytogenetic location: 16q22.1.
Variant type: single nucleotide variant.
Coding change: c.1786G>C on transcript NM_004360.5 (MANE Select); coding-DNA position 1786, G replaced by C.
Protein change: p.Glu596Gln; replaces glutamic acid 596 with glutamine.
Molecular consequence: missense variant. On other transcripts: 5 prime UTR variant (1).
Genome position (GRCh38, 1-based): chr16:68,822,075, G>C. VCF-style: chr16-68822075-G-C. GRCh37 (hg19) VCF-style: chr16-68855978-G-C.
Other names: c.1786G>C (LRG_301t1); c.1603G>C, p.Glu535Gln (NM_001317184.2); c.238G>C, p.Glu80Gln (NM_001317185.2); c.-180G>C (NM_001317186.2); short protein forms E596Q, E80Q, E535Q.
Identifiers: ClinVar variation 463731 (VCV000463731.11), dbSNP rs1555516844, ClinGen allele CA396466645.

ClinVar aggregate classification (germline): Uncertain significance (1 of 4 stars; one submission).

Conditions:
Hereditary diffuse gastric adenocarcinoma (HDGC). Also called: DIFFUSE GASTRIC AND LOBULAR BREAST CANCER SYNDROME. Identifiers: Orphanet 26106, MedGen C1708349, MONDO:0007648, OMIM 137215.

gnomAD v4.1: 1 of 1,614,168 alleles (0.000062%); no homozygotes.

Submission:

Labcorp Genetics (formerly Invitae), Labcorp
Classification: Uncertain significance for Hereditary diffuse gastric adenocarcinoma. Last evaluated: 2019-03-07. Review status: criteria provided, single submitter. Criteria: Invitae Variant Classification Sherloc (09022015). Collection method: clinical testing. Allele origin: germline.
Comment: In summary, the available evidence is currently insufficient to determine the role of this variant in disease. Therefore, it has been classified as a Variant of Uncertain Significance. Algorithms developed to predict the effect of missense changes on protein structure and function (SIFT, PolyPhen-2, Align-GVGD) all suggest that this variant is likely to be tolerated, but these predictions have not been confirmed by published functional studies and their clinical significance is uncertain. This variant has not been reported in the literature in individuals with CDH1-related conditions. ClinVar contains an entry for this variant (Variation ID: 463731). This variant is not present in population databases (ExAC no frequency). This sequence change replaces glutamic acid with glutamine at codon 596 of the CDH1 protein (p.Glu596Gln). The glutamic acid residue is moderately conserved and there is a small physicochemical difference between glutamic acid and glutamine.